The following is an entry in ClinVar:

ClinVar aggregate classification (germline): Uncertain significance (1 of 4 stars; one submission).

Conditions:
Complement component 3 deficiency. Identifiers: Orphanet 280133, MedGen C3151071, MONDO:0013417, OMIM 613779.
C3 glomerulonephritis. Also called: Nephropathy due to CFHR5 Deficiency; C3 GLOMERULOPATHY 3. Identifiers: Orphanet 329931, MedGen C4055342, MONDO:0013892, OMIM 614809.
Atypical hemolytic-uremic syndrome. Identifiers: Orphanet 2134, MedGen C2931788, MONDO:0016244.

Submission:

Genomenon, Inc
Classification: Uncertain significance for Complement component 3 deficiency; C3 glomerulonephritis; Atypical hemolytic-uremic syndrome. Last evaluated: 2025-09-30. Review status: criteria provided, single submitter. Criteria: Genomenon Sequence Variant Interpretation Standards. Collection method: curation. Allele origin: germline. Affected: no.
Comment: C3 p.Asp1247Ala (c.3740A>C) is a missense variant that changes the amino acid at residue 1247 from Aspartic acid to Alanine. This variant has been reported in the published literature (PMID:24065820). It is absent or not present at a significant frequency in gnomAD. In silico models agree that this variant is not damaging. In conclusion, we classify C3 p.Asp1247Ala (c.3740A>C) as a variant of uncertain significance.

Literature cited by the submitters: PubMed 24065820.

NM_000064.4(C3):c.3740A>C (p.Asp1247Ala)

Gene: C3 (complement C3; minus strand). Cytogenetic location: 19p13.3.
Variant type: single nucleotide variant.
Coding change: c.3740A>C on transcript NM_000064.4 (MANE Select); coding-DNA position 3740, A replaced by C.
Protein change: p.Asp1247Ala; replaces aspartic acid 1247 with alanine.
Molecular consequence: missense variant.
Genome position (GRCh38, 1-based): chr19:6,686,194, T>G on the plus strand (A>C on the coding strand, the complement: C3 is on the minus strand). VCF-style: chr19-6686194-T-G. GRCh37 (hg19) VCF-style: chr19-6686205-T-G.
Other names: short protein forms D1247A.
Identifiers: ClinVar variation 4280227 (VCV004280227.1).
Genomic context (GRCh38, chr19:6,686,194, plus strand): 5'-CCATAGCCACCACCGTAGTATCTCTGTTCATTGAGCCAACGCACGACGGGAGGCACAAAG[T>G]CAAAGTCTTTTAGCTGCAGTAGGGCCAAGAGGGCATAGGATGTGGCCTCCACGTTGTAGA-3'
Protein context (NP_000055.2, residues 1237-1257): LLALLQLKDF[Asp1247Ala]FVPPVVRWLN